The following is an entry in ClinVar:

NM_001458.5(FLNC):c.658G>C (p.Glu220Gln)

Gene: FLNC (filamin C; plus strand). Cytogenetic location: 7q32.1.
Variant type: single nucleotide variant.
Coding change: c.658G>C on transcript NM_001458.5 (MANE Select); coding-DNA position 658, G replaced by C.
Protein change: p.Glu220Gln; replaces glutamic acid 220 with glutamine.
Molecular consequence: missense variant.
Genome position (GRCh38, 1-based): chr7:128,837,216, G>C. VCF-style: chr7-128837216-G-C. GRCh37 (hg19) VCF-style: chr7-128477270-G-C.
Other names: c.658G>C, p.Glu220Gln (NM_001127487.2); short protein forms E220Q.
Identifiers: ClinVar variation 1378096 (VCV001378096.6), dbSNP rs2128934071, ClinGen allele CA369221296.

ClinVar aggregate classification (germline): Uncertain significance (1 of 4 stars; one submission).

Conditions:
Myofibrillar myopathy 5. Also called: Filaminopathy (type); FILAMINOPATHY, AUTOSOMAL DOMINANT. Identifiers: Orphanet 171445, MedGen C1836050, MONDO:0012289, OMIM 609524.
Distal myopathy with posterior leg and anterior hand involvement. Also called: WILLIAMS DISTAL MYOPATHY. Identifiers: Orphanet 63273, MedGen C3279722, MONDO:0013550, OMIM 614065.
Hypertrophic cardiomyopathy 26. Also called: Cardiomyopathy, familial hypertrophic, 26. Identifiers: Orphanet 75249, MedGen C4310749, MONDO:0014883, OMIM 617047.

Submission:

Labcorp Genetics (formerly Invitae), Labcorp
Classification: Uncertain significance for Distal myopathy with posterior leg and anterior hand involvement; Myofibrillar myopathy 5; Hypertrophic cardiomyopathy 26. Last evaluated: 2021-08-27. Review status: criteria provided, single submitter. Criteria: Invitae Variant Classification Sherloc (09022015). Collection method: clinical testing. Allele origin: germline.
Comment: In summary, the available evidence is currently insufficient to determine the role of this variant in disease. Therefore, it has been classified as a Variant of Uncertain Significance. Algorithms developed to predict the effect of missense changes on protein structure and function are either unavailable or do not agree on the potential impact of this missense change (SIFT: "Deleterious"; PolyPhen-2: "Probably Damaging"; Align-GVGD: "Class C0"). This variant has not been reported in the literature in individuals affected with FLNC-related conditions. This variant is not present in population databases (ExAC no frequency). This sequence change replaces glutamic acid with glutamine at codon 220 of the FLNC protein (p.Glu220Gln). The glutamic acid residue is moderately conserved and there is a small physicochemical difference between glutamic acid and glutamine.